The following is an entry in ClinVar:

ClinVar aggregate classification (germline): Uncertain significance (1 of 4 stars; one submission).

Conditions:
BBS12-related disorder. Also called: BBS12-related condition.

gnomAD v4.1: 2 of 1,614,112 alleles (0.00012%); highest among the groups gnomAD compares: Non-Finnish European, 0.00017%; no homozygotes.

Submission:

PreventionGenetics, part of Exact Sciences
Classification: Uncertain significance for BBS12-related condition. Last evaluated: 2025-12-18. Review status: criteria provided, single submitter. Criteria: ACMG Guidelines, 2015. Collection method: clinical testing. Allele origin: germline.
Comment: The BBS12 c.482T>A variant is predicted to result in the amino acid substitution p.Leu161Gln. To our knowledge, this variant has not been reported in the literature or in a large population database, indicating this variant is rare. At this time, the clinical significance of this variant is uncertain due to the absence of conclusive functional and genetic evidence.

NM_152618.3(BBS12):c.482T>A (p.Leu161Gln)

Gene: BBS12 (Bardet-Biedl syndrome 12; plus strand). Cytogenetic location: 4q27.
Variant type: single nucleotide variant.
Coding change: c.482T>A on transcript NM_152618.3 (MANE Select); coding-DNA position 482, T replaced by A.
Protein change: p.Leu161Gln; replaces leucine 161 with glutamine.
Molecular consequence: missense variant.
Genome position (GRCh38, 1-based): chr4:122,742,374, T>A. VCF-style: chr4-122742374-T-A. GRCh37 (hg19) VCF-style: chr4-123663529-T-A.
Other names: c.482T>A, p.Leu161Gln (NM_001178007.2); short protein forms L161Q.
Identifiers: ClinVar variation 4983264 (VCV004983264.1).